The following is an entry in ClinVar:

NM_000038.6(APC):c.5658A>C (p.Glu1886Asp)

Gene: APC (APC regulator of Wnt signaling pathway; plus strand). Cytogenetic location: 5q22.2.
Variant type: single nucleotide variant.
Coding change: c.5658A>C on transcript NM_000038.6 (MANE Select); coding-DNA position 5658, A replaced by C.
Protein change: p.Glu1886Asp; replaces glutamic acid 1886 with aspartic acid.
Molecular consequence: missense variant.
Genome position (GRCh38, 1-based): chr5:112,841,252, A>C. VCF-style: chr5-112841252-A-C. GRCh37 (hg19) VCF-style: chr5-112176949-A-C.
Other names: c.5658A>C, p.Glu1886Asp (NM_001127510.3, NM_001354895.2, NM_001407450.1); c.5604A>C, p.Glu1868Asp (NM_001127511.3); c.5712A>C, p.Glu1904Asp (NM_001354896.2, NM_001407447.1, NM_001407448.1 and 1 more transcripts); c.5688A>C, p.Glu1896Asp (NM_001354897.2); c.5583A>C, p.Glu1861Asp (NM_001354898.2); c.5574A>C, p.Glu1858Asp (NM_001354899.2); c.5535A>C, p.Glu1845Asp (NM_001354900.2); c.5481A>C, p.Glu1827Asp (NM_001354901.2, NM_001407453.1); and 11 more; short protein forms E1785D, E1827D, E1858D, E1861D, E1879D, E1904D, E1760D, E1795D.
Identifiers: ClinVar variation 1748896 (VCV001748896.2), dbSNP rs1417046511, ClinGen allele CA16033717.
Genomic context (GRCh38, chr5:112,841,252, plus strand): 5'-TTTTGATGATGATGATGTTGACCTTTCCAGGGAAAAGGCTGAATTAAGAAAGGCAAAAGA[A>C]AATAAGGAATCAGAGGCTAAAGTTACCAGCCACACAGAACTAACCTCCAACCAACAATCA-3'
Protein context (NP_000029.2, residues 1876-1896): REKAELRKAK[Glu1886Asp]NKESEAKVTS

ClinVar aggregate classification (germline): Uncertain significance (1 of 4 stars; one submission).

Conditions:
Hereditary cancer-predisposing syndrome. Also called: Hereditary Cancer Syndrome; Hereditary neoplastic syndrome; Neoplastic Syndromes, Hereditary; Tumor predisposition. Identifiers: Orphanet 140162, MedGen C0027672, MeSH D009386, MONDO:0015356.

Submission:

Ambry Genetics
Classification: Uncertain significance for Hereditary cancer-predisposing syndrome. Last evaluated: 2020-03-10. Review status: criteria provided, single submitter. Criteria: Ambry Variant Classification Scheme 2023. Collection method: clinical testing. Allele origin: germline.
Comment: The p.E1886D variant (also known as c.5658A>C), located in coding exon 15 of the APC gene, results from an A to C substitution at nucleotide position 5658. The glutamic acid at codon 1886 is replaced by aspartic acid, an amino acid with highly similar properties. This amino acid position is well conserved in available vertebrate species. In addition, in silico predictors for this gene do not accurately predict pathogenicity. Since supporting evidence is limited at this time, the clinical significance of this alteration remains unclear.